The following is an entry in ClinVar:

ClinVar aggregate classification (germline): Pathogenic (1 of 4 stars; one submission).

Submission:

ISCA site 4
Classification: Pathogenic. Last evaluated: 2011-08-12. Review status: criteria provided, single submitter. Criteria: Kaminsky et al. (Genet Med. 2011). Collection method: clinical testing. Allele origin: unknown. Affected: yes. Observed: 1 variant allele.
Comment: Copy number variation identified through the course of routine clinical cytogenomic testing in postnatal populations. Clinical assertions have been curated as described in Kaminsky et al. 2011.

GRCh38/hg38 22q11.21(chr22:18339130-20343532)x3

Genes: DGCR5 (DiGeorge syndrome critical region gene 5; plus strand), DGCR6 (DiGeorge syndrome critical region gene 6; plus strand), DGCR6L (DiGeorge syndrome critical region gene 6 like; minus strand), DGCR8 (DGCR8 microprocessor complex subunit; plus strand), ESS2 (ess-2 spliceosome associated protein; minus strand) and 118 more. Cytogenetic location: 22q11.21.
Variant type: copy number gain.
Change: copy number 3 (three copies instead of two) of chr22:18,339,130-20,343,532 (2.00 Mb, GRCh38 coordinates, 1-based), cytogenetic band 22q11.21.
Identifiers: ClinVar variation 160954 (VCV000160954.1).